The following is an entry in ClinVar:

NM_000416.3(IFNGR1):c.86-2978A>G

Gene: IFNGR1 (interferon gamma receptor 1; minus strand). Cytogenetic location: 6q23.3.
Variant type: single nucleotide variant.
Coding change: c.86-2978A>G on transcript NM_000416.3 (MANE Select); 2978 bases into the intron before coding-DNA position 86, A replaced by G.
Molecular consequence: intron variant.
Genome position (GRCh38, 1-based): chr6:137,210,055, T>C on the plus strand (A>G on the coding strand, the complement: IFNGR1 is on the minus strand). VCF-style: chr6-137210055-T-C. GRCh37 (hg19) VCF-style: chr6-137531192-T-C.
Other names: c.56-2978A>G (NM_001363526.1); c.-38-2978A>G (NM_001363527.1).
Identifiers: ClinVar variation 2688431 (VCV002688431.2), dbSNP rs9402879, ClinGen allele CA12250554.

ClinVar aggregate classification (germline): Benign (1 of 4 stars; one submission).

Allele frequency attached by ClinVar (database versions not stated): TOPMed 0.19332; gnomAD 0.20026; 1000 Genomes Project 30x 0.22174; 1000 Genomes Project 0.22784; gnomAD exomes 0.24579.
gnomAD v4.1: 88,947 of 390,704 alleles (23%); highest among the groups gnomAD compares: East Asian, 42%; 11,134 homozygotes.

Submission:

Unidad de Genómica Garrahan, Hospital de Pediatría Garrahan
Classification: Benign. Last evaluated: 2024-01-24. Review status: criteria provided, single submitter. Criteria: ACMG Guidelines, 2015. Collection method: clinical testing. Allele origin: germline. Affected: no. Observed: 38 variant alleles.
Comment: This variant is classified as Benign based on local population frequency. This variant was detected in 43% of patients studied by a panel of primary immunodeficiencies. Number of patients: 38. Only high quality variants are reported.